The following is an entry in ClinVar:

ClinVar aggregate classification (germline): Uncertain significance (1 of 4 stars; one submission).

Conditions:
Hypertrophic cardiomyopathy 14. Identifiers: MedGen C2750467, MONDO:0013197, OMIM 613251.

gnomAD v4.1: 2 of 1,614,220 alleles (0.00012%); highest among the groups gnomAD compares: Non-Finnish European, 0.000085%; no homozygotes.

Submission:

Labcorp Genetics (formerly Invitae), Labcorp
Classification: Uncertain significance for Hypertrophic cardiomyopathy 14. Last evaluated: 2024-06-11. Review status: criteria provided, single submitter. Criteria: Invitae Variant Classification Sherloc (09022015). Collection method: clinical testing. Allele origin: germline.
Comment: This sequence change replaces isoleucine, which is neutral and non-polar, with threonine, which is neutral and polar, at codon 522 of the MYH6 protein (p.Ile522Thr). This variant is present in population databases (rs778318391, gnomAD 0.0009%). This variant has not been reported in the literature in individuals affected with MYH6-related conditions. Advanced modeling of protein sequence and biophysical properties (such as structural, functional, and spatial information, amino acid conservation, physicochemical variation, residue mobility, and thermodynamic stability) performed at Invitae indicates that this missense variant is expected to disrupt MYH6 protein function with a positive predictive value of 80%. In summary, the available evidence is currently insufficient to determine the role of this variant in disease. Therefore, it has been classified as a Variant of Uncertain Significance.

NM_002471.4(MYH6):c.1565T>C (p.Ile522Thr)

Gene: MYH6 (myosin heavy chain 6; minus strand). Cytogenetic location: 14q11.2.
Variant type: single nucleotide variant.
Coding change: c.1565T>C on transcript NM_002471.4 (MANE Select); coding-DNA position 1565, T replaced by C.
Protein change: p.Ile522Thr; replaces isoleucine 522 with threonine.
Molecular consequence: missense variant.
Genome position (GRCh38, 1-based): chr14:23,400,272, A>G on the plus strand (T>C on the coding strand, the complement: MYH6 is on the minus strand). VCF-style: chr14-23400272-A-G. GRCh37 (hg19) VCF-style: chr14-23869481-A-G.
Other names: short protein forms I522T.
Identifiers: ClinVar variation 3622106 (VCV003622106.2).